The following is an entry in ClinVar:

ClinVar aggregate classification (germline): Uncertain significance (1 of 4 stars; one submission).

Conditions:
Jeune thoracic dystrophy. Also called: Jeune syndrome; Infantile thoracic dystrophy; Thoracic pelvic phalangeal dystrophy; Jeune's syndrome; Chondroectodermal dysplasia-like syndrome; Short-rib thoracic dysplasia. Identifiers: Orphanet 474, MedGen C0265275, MONDO:0018770.
Nephronophthisis. Also called: Juvenile Nephronophthisis. Identifiers: Orphanet 655, MedGen C0687120, MONDO:0019005, HP:0000090.

Allele frequency attached by ClinVar (database versions not stated): gnomAD exomes below 0.00001; TOPMed below 0.00001; ExAC 0.00002.
gnomAD v4.1: 4 of 1,612,216 alleles (0.00025%); highest among the groups gnomAD compares: Non-Finnish European, 0.00034%; no homozygotes.

Submission:

Labcorp Genetics (formerly Invitae), Labcorp
Classification: Uncertain significance for Jeune thoracic dystrophy; Nephronophthisis. Last evaluated: 2022-06-19. Review status: criteria provided, single submitter. Criteria: Invitae Variant Classification Sherloc (09022015). Collection method: clinical testing. Allele origin: germline.
Comment: This sequence change falls in intron 9 of the TTC21B gene. It does not directly change the encoded amino acid sequence of the TTC21B protein. It affects a nucleotide within the consensus splice site. This variant is present in population databases (rs768356049, gnomAD 0.002%). This variant has not been reported in the literature in individuals affected with TTC21B-related conditions. Variants that disrupt the consensus splice site are a relatively common cause of aberrant splicing (PMID: 17576681, 9536098). Algorithms developed to predict the effect of sequence changes on RNA splicing suggest that this variant may disrupt the consensus splice site. In summary, the available evidence is currently insufficient to determine the role of this variant in disease. Therefore, it has been classified as a Variant of Uncertain Significance.

Literature cited by the submitters: PubMed 17576681; PubMed 9536098.

NM_024753.5(TTC21B):c.1087+3A>G

Gene: TTC21B (tetratricopeptide repeat domain 21B; minus strand). Cytogenetic location: 2q24.3.
Variant type: single nucleotide variant.
Coding change: c.1087+3A>G on transcript NM_024753.5 (MANE Select); 3 bases into the intron after coding-DNA position 1087, A replaced by G.
Molecular consequence: intron variant.
Genome position (GRCh38, 1-based): chr2:165,930,169, T>C on the plus strand (A>G on the coding strand, the complement: TTC21B is on the minus strand). VCF-style: chr2-165930169-T-C. GRCh37 (hg19) VCF-style: chr2-166786679-T-C.
Identifiers: ClinVar variation 1941351 (VCV001941351.2), dbSNP rs768356049, ClinGen allele CA1942249.